The following is an entry in ClinVar:

NM_018671.5(UNC45A):c.842_845dup (p.Ile283fs)

Gene: UNC45A (unc-45 myosin chaperone A; plus strand). Cytogenetic location: 15q26.1.
Variant type: Duplication.
Coding change: c.842_845dup on transcript NM_018671.5 (MANE Select); coding-DNA positions 842 to 845, 4 bases duplicated (GTGC; older notation c.842_845dupGTGC).
Protein change: p.Ile283fs; shifts the reading frame from isoleucine 283.
Molecular consequence: frameshift variant.
Genome position (GRCh38, 1-based): chr15:90,942,591-90,942,594, GTGC duplicated. VCF-style (leftmost placement, unchanged base first): chr15-90942590-G-GGTGC. GRCh37 (hg19) VCF-style: chr15-91485820-G-GGTGC.
Other names: c.797_800dup, p.Ile268fs (NM_001039675.2, NM_001323621.2); c.842_845dup, p.Ile283fs (NM_001323619.1); c.407_410dup, p.Ile138fs (NM_001323620.2); short protein forms I283fs, I268fs, I138fs.
Identifiers: ClinVar variation 3721651 (VCV003721651.2).

ClinVar aggregate classification (germline): Uncertain significance (1 of 4 stars; one submission).

Submission:

Labcorp Genetics (formerly Invitae), Labcorp
Classification: Uncertain significance. Last evaluated: 2024-09-27. Review status: criteria provided, single submitter. Criteria: Invitae Variant Classification Sherloc (09022015). Collection method: clinical testing. Allele origin: germline.
Comment: This sequence change creates a premature translational stop signal (p.Ile283Cysfs*16) in the UNC45A gene. It is expected to result in an absent or disrupted protein product. However, the current clinical and genetic evidence is not sufficient to establish whether loss-of-function variants in UNC45A cause disease. This variant is not present in population databases (gnomAD no frequency). This variant has not been reported in the literature in individuals affected with UNC45A-related conditions. Experimental studies and prediction algorithms are not available or were not evaluated, and the functional significance of this variant is currently unknown. Algorithms developed to predict the effect of sequence changes on RNA splicing suggest that this variant may disrupt the consensus splice site. In summary, the available evidence is currently insufficient to determine the role of this variant in disease. Therefore, it has been classified as a Variant of Uncertain Significance.